The following is an entry in ClinVar:

ClinVar aggregate classification (germline): Uncertain significance (1 of 4 stars; one submission).

Submission:

HudsonAlpha Institute for Biotechnology
Classification: Uncertain significance. Last evaluated: 2022-08-24. Review status: criteria provided, single submitter. Criteria: ACMG Guidelines, 2015. Collection method: research. Allele origin: unknown. Observed: 1 variant allele. Study: HudsonAlpha-AGHI-WGS.
Comment: ACMG codes: PM2_Moderate, PP3_Supporting

NM_001365068.1(ASTN2):c.3598+1G>A

Gene: ASTN2 (astrotactin 2; minus strand). Cytogenetic location: 9q33.1.
Variant type: single nucleotide variant.
Coding change: c.3598+1G>A on transcript NM_001365068.1 (MANE Select); the canonical splice donor site of the intron after coding-DNA position 3598, G replaced by A.
Molecular consequence: splice donor variant.
Genome position (GRCh38, 1-based): chr9:116,442,452, C>T on the plus strand (G>A on the coding strand, the complement: ASTN2 is on the minus strand). VCF-style: chr9-116442452-C-T. GRCh37 (hg19) VCF-style: chr9-119204731-C-T.
Other names: c.3445+1G>A (NM_014010.5); c.3586+1G>A (NM_001365069.1); c.754+1G>A (NM_001184734.1, NM_198188.2, NM_198187.3); c.901+1G>A (NM_198186.3).
Identifiers: ClinVar variation 1803750 (VCV001803750.1), dbSNP rs2490874444, ClinGen allele CA374691433.